The following is an entry in ClinVar:

ClinVar aggregate classification (germline): Conflicting classifications of pathogenicity. Review status: criteria provided, conflicting classifications (1 of 4 stars). 9 submissions from 9 submitters: Uncertain significance (8); Likely benign (1). Last evaluated 2026-09-01.

Conditions:
ERCC3-related disorder. Also called: ERCC3-related condition.
Trichothiodystrophy 2, photosensitive (TTD2). Identifiers: Orphanet 33364, MedGen C4225344, MONDO:0014615, OMIM 616390.
Xeroderma pigmentosum group B. Also called: XP, GROUP B; XPB/CS; XERODERMA PIGMENTOSUM B/COCKAYNE SYNDROME; ERCC3-Related Xeroderma Pigmentosum. Identifiers: MedGen C0268136, MONDO:0012531, OMIM 610651.
Xeroderma pigmentosum (XP). Identifiers: Orphanet 910, MedGen C0043346, MONDO:0019600.

Allele frequency attached by ClinVar (database versions not stated): 1000 Genomes Project 30x 0.00016; 1000 Genomes Project 0.00020; gnomAD 0.00082 and 0.00085; TOPMed 0.00085; ESP Exome Variant Server 0.00100.
gnomAD v4.1: 1,784 of 1,614,182 alleles (0.11%); highest among the groups gnomAD compares: Non-Finnish European, 0.14%; 2 homozygotes.

Submissions (9):

PreventionGenetics, part of Exact Sciences
Classification: Uncertain significance for ERCC3-related condition. Last evaluated: 2026-09-01. Review status: criteria provided, single submitter. Criteria: ACMG Guidelines, 2015. Collection method: clinical testing. Allele origin: germline.
Comment: The ERCC3 c.2080G>A variant is predicted to result in the amino acid substitution p.Ala694Thr. This variant has been reported in the literature in an individual with colon cancer (Supp. Table 2, Martin-Morales et al. 2018. PubMed ID: 30256826). This variant is reported in 0.14% of alleles in individuals of European (Non-Finnish) descent in gnomAD. At this time, the clinical significance of this variant is uncertain due to the absence of conclusive functional and genetic evidence.

GeneDx
Classification: Uncertain significance. Last evaluated: 2026-08-17. Review status: criteria provided, single submitter. Criteria: GeneDx Variant Classification Process June 2021. Collection method: clinical testing. Allele origin: germline.
Comment: Observed in individuals with colon cancer (PMID: 30256826); In silico analysis suggests that this missense variant does not alter protein structure/function; This variant is associated with the following publications: (PMID: 30256826, Huidong2025[article])

Fulgent Genetics
Classification: Uncertain significance for Xeroderma pigmentosum group B; Trichothiodystrophy 2, photosensitive. Last evaluated: 2024-06-18. Review status: criteria provided, single submitter. Criteria: ACMG Guidelines, 2015. Collection method: clinical testing. Allele origin: germline.

CeGaT Center for Human Genetics Tuebingen
Classification: Uncertain significance. Last evaluated: 2024-01-01. Review status: criteria provided, single submitter. Criteria: CeGaT Center For Human Genetics Tuebingen Variant Classification Criteria Version 2. Collection method: clinical testing. Allele origin: germline. Affected: yes. Observed: 1 variant allele.

Labcorp Genetics (formerly Invitae), Labcorp
Classification: Uncertain significance. Last evaluated: 2022-10-05. Review status: criteria provided, single submitter. Criteria: Invitae Variant Classification Sherloc (09022015). Collection method: clinical testing. Allele origin: germline.
Comment: This sequence change replaces alanine, which is neutral and non-polar, with threonine, which is neutral and polar, at codon 694 of the ERCC3 protein (p.Ala694Thr). This variant is present in population databases (rs151216904, gnomAD 0.1%), and has an allele count higher than expected for a pathogenic variant. This variant has not been reported in the literature in individuals affected with ERCC3-related conditions. ClinVar contains an entry for this variant (Variation ID: 331076). Advanced modeling of protein sequence and biophysical properties (such as structural, functional, and spatial information, amino acid conservation, physicochemical variation, residue mobility, and thermodynamic stability) performed at Invitae indicates that this missense variant is not expected to disrupt ERCC3 protein function. In summary, the available evidence is currently insufficient to determine the role of this variant in disease. Therefore, it has been classified as a Variant of Uncertain Significance.

Sema4
Classification: Likely benign for Xeroderma pigmentosum. Last evaluated: 2022-01-22. Review status: criteria provided, single submitter. Criteria: Sema4 Curation Guidelines. Collection method: curation. Allele origin: germline.

Institute for Clinical Genetics, University Hospital TU Dresden, University Hospital TU Dresden
Classification: Uncertain significance. Last evaluated: 2021-11-03. Review status: criteria provided, single submitter. Criteria: ACMG Guidelines, 2015. Collection method: clinical testing. Allele origin: germline.

Illumina Laboratory Services, Illumina
Classification: Uncertain significance for Xeroderma pigmentosum group B. Last evaluated: 2018-01-12. Review status: criteria provided, single submitter. Criteria: ICSL Variant Classification Criteria 13 December 2019. Collection method: clinical testing. Allele origin: germline.

Breakthrough Genomics
Classification: Uncertain significance. Review status: criteria provided, single submitter. Criteria: ACMG Guidelines, 2015. Collection method: not provided. Allele origin: germline. Inheritance: Autosomal recessive inheritance. Affected: yes.

Literature cited by the submitters: PubMed 30256826 (cited by Sema4).

NM_000122.2(ERCC3):c.2080G>A (p.Ala694Thr)

Gene: ERCC3 (ERCC excision repair 3, TFIIH core complex helicase subunit; minus strand). Cytogenetic location: 2q14.3.
Variant type: single nucleotide variant.
Coding change: c.2080G>A on transcript NM_000122.2 (MANE Select); coding-DNA position 2080, G replaced by A.
Protein change: p.Ala694Thr; replaces alanine 694 with threonine.
Molecular consequence: missense variant.
Genome position (GRCh38, 1-based): chr2:127,259,433, C>T on the plus strand (G>A on the coding strand, the complement: ERCC3 is on the minus strand). VCF-style: chr2-127259433-C-T. GRCh37 (hg19) VCF-style: chr2-128017009-C-T.
Other names: c.1888G>A, p.Ala630Thr (NM_001303416.2, NM_001303418.2); short protein forms A694T, A630T.
Identifiers: ClinVar variation 331076 (VCV000331076.40), dbSNP rs151216904, ClinGen allele CA1858090.